The following is an entry in ClinVar:

NM_015488.5(PNKD):c.253C>T (p.Arg85Cys)

Genes: CATIP-AS2 (CATIP antisense RNA 2; minus strand), PNKD (PNKD metallo-beta-lactamase domain containing; plus strand). Cytogenetic location: 2q35.
Variant type: single nucleotide variant.
Coding change: c.253C>T on transcript NM_015488.5 (MANE Select); coding-DNA position 253, C replaced by T.
Protein change: p.Arg85Cys; replaces arginine 85 with cysteine.
Molecular consequence: missense variant.
Genome position (GRCh38, 1-based): chr2:218,339,799, C>T. VCF-style: chr2-218339799-C-T. GRCh37 (hg19) VCF-style: chr2-219204522-C-T.
Other names: c.181C>T, p.Arg61Cys (NM_022572.5); short protein forms R61C, R85C.
Identifiers: ClinVar variation 1515238 (VCV001515238.9), dbSNP rs769375770, ClinGen allele CA2103869.

ClinVar aggregate classification (germline): Uncertain significance. Review status: criteria provided, multiple submitters, no conflicts (2 of 4 stars). 2 submissions from 2 submitters: Uncertain significance (2). Last evaluated 2025-08-23.

Conditions:
Paroxysmal nonkinesigenic dyskinesia. Also called: Paroxysmal non-kinesigenic dyskinesia. Identifiers: Orphanet 98810, MedGen C1869117, MONDO:0700088.
Inborn genetic diseases. Identifiers: MedGen C0950123, MeSH D030342.

Allele frequency attached by ClinVar (database versions not stated): gnomAD 0.00001; TOPMed 0.00001; gnomAD exomes 0.00003 and 0.00010; ExAC 0.00017.
gnomAD v4.1: 42 of 1,612,598 alleles (0.0026%); highest among the groups gnomAD compares: South Asian, 0.0088%; no homozygotes.

Submissions (2):

Ambry Genetics
Classification: Uncertain significance for Inborn genetic diseases. Last evaluated: 2025-08-23. Review status: criteria provided, single submitter. Criteria: Ambry Variant Classification Scheme 2023. Collection method: clinical testing. Allele origin: germline.

Labcorp Genetics (formerly Invitae), Labcorp
Classification: Uncertain significance for Paroxysmal nonkinesigenic dyskinesia. Last evaluated: 2024-10-23. Review status: criteria provided, single submitter. Criteria: Invitae Variant Classification Sherloc (09022015). Collection method: clinical testing. Allele origin: germline.
Comment: This sequence change replaces arginine, which is basic and polar, with cysteine, which is neutral and slightly polar, at codon 85 of the PNKD protein (p.Arg85Cys). This variant is present in population databases (rs769375770, gnomAD 0.02%). This variant has not been reported in the literature in individuals affected with PNKD-related conditions. ClinVar contains an entry for this variant (Variation ID: 1515238). An algorithm developed to predict the effect of missense changes on protein structure and function (PolyPhen-2) suggests that this variant is likely to be disruptive. In summary, the available evidence is currently insufficient to determine the role of this variant in disease. Therefore, it has been classified as a Variant of Uncertain Significance.